The following is an entry in ClinVar:

ClinVar aggregate classification (germline): Uncertain significance (1 of 4 stars; one submission).

Allele frequency attached by ClinVar (database versions not stated): gnomAD 0.00001; TOPMed 0.00001; gnomAD exomes 0.00002.

Submission:

Institute for Clinical Genetics, University Hospital TU Dresden, University Hospital TU Dresden
Classification: Uncertain significance. Last evaluated: 2023-05-22. Review status: criteria provided, single submitter. Criteria: ACMG Guidelines, 2015. Collection method: clinical testing. Allele origin: paternal.
Comment: PP3, PM2_SUP

NM_001372076.1(PAX9):c.28C>A (p.Gln10Lys)

Gene: PAX9 (paired box 9; plus strand). Cytogenetic location: 14q13.3.
Variant type: single nucleotide variant.
Coding change: c.28C>A on transcript NM_001372076.1 (MANE Select); coding-DNA position 28, C replaced by A.
Protein change: p.Gln10Lys; replaces glutamine 10 with lysine.
Molecular consequence: missense variant.
Genome position (GRCh38, 1-based): chr14:36,662,920, C>A. VCF-style: chr14-36662920-C-A. GRCh37 (hg19) VCF-style: chr14-37132125-C-A.
Other names: c.28C>A, p.Gln10Lys (NM_006194.4); short protein forms Q10K.
Identifiers: ClinVar variation 2576140 (VCV002576140.1), dbSNP rs1373680338, ClinGen allele CA389465963.